The following is an entry in ClinVar:

NM_001621.5(AHR):c.1499C>G (p.Thr500Ser)

Gene: AHR (aryl hydrocarbon receptor; plus strand). Cytogenetic location: 7p21.1.
Variant type: single nucleotide variant.
Coding change: c.1499C>G on transcript NM_001621.5 (MANE Select); coding-DNA position 1499, C replaced by G.
Protein change: p.Thr500Ser; replaces threonine 500 with serine.
Molecular consequence: missense variant.
Genome position (GRCh38, 1-based): chr7:17,339,324, C>G. VCF-style: chr7-17339324-C-G. GRCh37 (hg19) VCF-style: chr7-17378948-C-G.
Other names: short protein forms T500S.
Identifiers: ClinVar variation 1483402 (VCV001483402.4), dbSNP rs372146849, ClinGen allele CA4172131.
Genomic context (GRCh38, chr7:17,339,324, plus strand): 5'-CTTTTGAAAACAACTTTTTCAACGAATCTATGAATGAATGCAGAAATTGGCAAGATAATA[C>G]TGCACCGATGGGAAATGATACTATCCTGAAACATGAGCAAATTGACCAGCCTCAGGATGT-3'
Protein context (NP_001612.1, residues 490-510): MNECRNWQDN[Thr500Ser]APMGNDTILK

ClinVar aggregate classification (germline): Uncertain significance (1 of 4 stars; one submission).

Allele frequency attached by ClinVar (database versions not stated): ESP Exome Variant Server 0.00008.
gnomAD v4.1: 4 of 1,614,184 alleles (0.00025%); highest among the groups gnomAD compares: Non-Finnish European, 0.00034%; no homozygotes.

Submission:

Labcorp Genetics (formerly Invitae), Labcorp
Classification: Uncertain significance. Last evaluated: 2023-11-04. Review status: criteria provided, single submitter. Criteria: Invitae Variant Classification Sherloc (09022015). Collection method: clinical testing. Allele origin: germline.
Comment: This sequence change replaces threonine, which is neutral and polar, with serine, which is neutral and polar, at codon 500 of the AHR protein (p.Thr500Ser). This variant is present in population databases (rs372146849, gnomAD 0.003%). This variant has not been reported in the literature in individuals affected with AHR-related conditions. ClinVar contains an entry for this variant (Variation ID: 1483402). An algorithm developed to predict the effect of missense changes on protein structure and function (PolyPhen-2) suggests that this variant¬†is likely to be tolerated. In summary, the available evidence is currently insufficient to determine the role of this variant in disease. Therefore, it has been classified as a Variant of Uncertain Significance.